The following is an entry in ClinVar:

ClinVar aggregate classification (germline): Benign/Likely benign. Review status: criteria provided, multiple submitters, no conflicts (2 of 4 stars). 18 submissions from 18 submitters: Benign (7); Likely benign (5). 6 of the submissions do not count toward it. Last evaluated 2026-09-01.

Conditions:
ACTN2-related disorder. Also called: ACTN2-related disorders; ACTN2 related condition.
Cardiovascular phenotype. Identifiers: MedGen CN230736.
Cardiomyopathy (CMYO). Also called: Cardiomyopathies. Identifiers: Orphanet 167848, MedGen C0878544, MONDO:0004994, HP:0001638. Inheritance: Various modes of inheritance.
Dilated cardiomyopathy 1AA (CMD1AA). Also called: Cardiomyopathy, dilated, 1AA, with or without LVNC; CARDIOMYOPATHY, DILATED, 1AA, WITH OR WITHOUT LEFT VENTRICULAR NONCOMPACTION; CARDIOMYOPATHY, FAMILIAL HYPERTROPHIC, 23, WITH OR WITHOUT LEFT VENTRICULAR NONCOMPACTION. Identifiers: Orphanet 154, MedGen C2677338, MONDO:0012808, OMIM 612158.
Primary familial hypertrophic cardiomyopathy (HCM). Identifiers: Orphanet 99739, MedGen C0949658, MeSH D024741, MONDO:0024573. Inheritance: Various modes of inheritance.

Allele frequency attached by ClinVar (database versions not stated): 1000 Genomes Project 30x 0.00047; gnomAD 0.00211 and 0.00215; ExAC 0.00234; ESP Exome Variant Server 0.00315; gnomAD exomes 0.00258; 1000 Genomes Project 0.00040; TOPMed 0.00267.
gnomAD v4.1: 4,055 of 1,614,164 alleles (0.25%); highest among the groups gnomAD compares: Middle Eastern, 0.38%; 10 homozygotes.

Submissions (18):

CeGaT Center for Human Genetics Tuebingen
Classification: Likely benign. Last evaluated: 2026-09-01. Review status: criteria provided, single submitter. Criteria: CeGaT Center For Human Genetics Tuebingen Variant Classification Criteria Version 2. Collection method: clinical testing. Allele origin: germline. Affected: yes. Observed: 9 variant alleles.
Comment: ACTN2: BP4, BP7, BS1

Labcorp Genetics (formerly Invitae), Labcorp
Classification: Benign for Primary familial hypertrophic cardiomyopathy; Dilated cardiomyopathy 1AA. Last evaluated: 2026-02-03. Review status: criteria provided, single submitter. Criteria: Invitae Variant Classification Sherloc (09022015). Collection method: clinical testing. Allele origin: germline.

ARUP Laboratories, Molecular Genetics and Genomics, ARUP Laboratories
Classification: Likely benign. Last evaluated: 2025-06-25. Review status: criteria provided, single submitter. Criteria: ARUP Molecular Germline Variant Investigation Process 2024. Collection method: clinical testing. Allele origin: germline.

Molecular Diagnostic Laboratory for Inherited Cardiovascular Disease, Montreal Heart Institute
Classification: Benign. Last evaluated: 2025-04-09. Review status: criteria provided, single submitter. Criteria: ACMG Guidelines, 2015. Collection method: clinical testing. Allele origin: germline. Affected: no.

Blueprint Genetics
Classification: Likely benign. Last evaluated: 2024-11-25. Review status: criteria provided, single submitter. Criteria: ACMG Guidelines, 2015. Collection method: clinical testing. Allele origin: germline.

Mayo Clinic Laboratories, Mayo Clinic
Classification: Benign. Last evaluated: 2024-08-29. Review status: criteria provided, single submitter. Criteria: ACMG Guidelines, 2015. Collection method: clinical testing. Allele origin: germline. Observed: 15 variant alleles.
Comment: BS1, BS2, BP4, BP7

Women's Health and Genetics/Laboratory Corporation of America, LabCorp
Classification: Benign. Last evaluated: 2018-12-26. Review status: criteria provided, single submitter. Criteria: LabCorp Variant Classification Summary - May 2015. Collection method: clinical testing. Allele origin: germline.
Comment: Variant summary: ACTN2 c.1341C>T alters a non-conserved nucleotide resulting in a synonymous change. 5/5 computational tools predict no significant impact on normal splicing. However, these predictions have yet to be confirmed by functional studies. The variant allele was found at a frequency of 0.0025 in 277002 control chromosomes in the gnomAD database, including 2 homozygotes. The observed variant frequency is approximately 100-folds higher than the estimated maximal expected allele frequency for a pathogenic variant in ACTN2 causing Cardiomyopathy phenotype (2.5e-05), strongly suggesting that the variant is benign. Two ClinVar submissions from clinical diagnostic laboratories (evaluation after 2014) cite the variant as likely benign/benign. Based on the evidence outlined above, the variant was classified as benign.

CHEO Genetics Diagnostic Laboratory, Children's Hospital of Eastern Ontario
Classification: Benign for Cardiomyopathy. Last evaluated: 2016-09-26. Review status: criteria provided, single submitter. Criteria: ACMG Guidelines, 2015. Collection method: clinical testing. Allele origin: germline. Study: Canadian Open Genetics Repository.

Ambry Genetics
Classification: Likely benign for Cardiovascular phenotype. Last evaluated: 2015-05-07. Review status: criteria provided, single submitter. Criteria: Ambry Variant Classification Scheme 2023. Collection method: clinical testing. Allele origin: germline.

GeneDx
Classification: Benign. Last evaluated: 2013-10-03. Review status: criteria provided, single submitter. Criteria: GeneDx Variant Classification (06012015). Collection method: clinical testing. Allele origin: germline. Affected: yes.
Comment: This variant is considered likely benign or benign based on one or more of the following criteria: it is a conservative change, it occurs at a poorly conserved position in the protein, it is predicted to be benign by multiple in silico algorithms, and/or has population frequency not consistent with disease.

Laboratory for Molecular Medicine, Mass General Brigham Personalized Medicine
Classification: Benign. Last evaluated: 2012-03-22. Review status: criteria provided, single submitter. Criteria: LMM Criteria. Collection method: clinical testing. Allele origin: germline. Observed: 21 variant alleles.
Comment: Phe447Phe in exon 12 of ACTN2: This variant is not expected to have clinical sig nificance because it does not alter an amino acid residue and has been identifie d in 0.4% (28/7020) of European American chromosomes from a broad, though clinic ally unspecified population (NHLBI Exome Sequencing Project; dbSNP rs34785693).

Breakthrough Genomics
Classification: Likely benign. Review status: criteria provided, single submitter. Criteria: ACMG Guidelines, 2015. Collection method: not provided. Allele origin: germline. Inheritance: Autosomal dominant inheritance. Affected: yes.

PreventionGenetics, part of Exact Sciences
Classification: Benign for ACTN2-related condition. Last evaluated: 2019-11-08. Review status: no assertion criteria provided. Collection method: clinical testing. Allele origin: germline. Not counted in ClinVar's aggregate classification.
Comment: This variant is classified as benign based on ACMG/AMP sequence variant interpretation guidelines (Richards et al. 2015 PMID: 25741868, with internal and published modifications).

Clinical Genetics DNA and cytogenetics Diagnostics Lab, Erasmus MC, Erasmus Medical Center
Classification: Likely benign. Review status: no assertion criteria provided. Collection method: clinical testing. Allele origin: germline. Affected: yes. Study: VKGL Data-share Consensus. Not counted in ClinVar's aggregate classification.

Clinical Genetics, Academic Medical Center
Classification: Benign. Review status: no assertion criteria provided. Collection method: clinical testing. Allele origin: germline. Affected: yes. Study: VKGL Data-share Consensus. Not counted in ClinVar's aggregate classification.

Diagnostic Laboratory, Department of Genetics, University Medical Center Groningen
Classification: Likely benign for Dilated cardiomyopathy 1AA. Review status: no assertion criteria provided. Collection method: clinical testing. Allele origin: germline. Affected: yes. Study: VKGL Data-share Consensus. Not counted in ClinVar's aggregate classification.

Genome Diagnostics Laboratory, University Medical Center Utrecht
Classification: Likely benign. Review status: no assertion criteria provided. Collection method: clinical testing. Allele origin: germline. Affected: yes. Study: VKGL Data-share Consensus. Not counted in ClinVar's aggregate classification.

Joint Genome Diagnostic Labs from Nijmegen and Maastricht, Radboudumc and MUMC+
Classification: Benign. Review status: no assertion criteria provided. Collection method: clinical testing. Allele origin: germline. Affected: yes. Study: VKGL Data-share Consensus. Not counted in ClinVar's aggregate classification.

Literature cited by the submitters: PubMed 20022194 (cited by Women's Health and Genetics/Laboratory Corporation of America, LabCorp).

NM_001103.4(ACTN2):c.1341C>T (p.Phe447=)

Gene: ACTN2 (actinin alpha 2; plus strand). Cytogenetic location: 1q43.
Variant type: single nucleotide variant.
Coding change: c.1341C>T on transcript NM_001103.4 (MANE Select); coding-DNA position 1341, C replaced by T.
Protein change: p.Phe447=; no amino-acid change (phenylalanine 447 retained).
Molecular consequence: synonymous variant.
Genome position (GRCh38, 1-based): chr1:236,744,711, C>T. VCF-style: chr1-236744711-C-T. GRCh37 (hg19) VCF-style: chr1-236908011-C-T.
Other names: p.F447F:TTC>TTT; p.Phe447=; c.1341C>T, p.Phe447= (NM_001278343.2); c.717C>T, p.Phe239= (NM_001278344.2).
Identifiers: ClinVar variation 43902 (VCV000043902.58), dbSNP rs34785693, ClinGen allele CA133124.